The following is an entry in ClinVar:

NM_000497.4(CYP11B1):c.1228_1229del (p.Leu410fs)

Genes: CYP11B1 (cytochrome P450 family 11 subfamily B member 1; minus strand), LOC106799833 (CYP11B1 recombination region; plus strand). Cytogenetic location: 8q24.3.
Variant type: Microsatellite.
Coding change: c.1228_1229del on transcript NM_000497.4 (MANE Select); coding-DNA positions 1228 to 1229, 2 bases deleted (CT; older notation c.1228_1229delCT).
Protein change: p.Leu410fs; shifts the reading frame from leucine 410.
Molecular consequence: frameshift variant. On other transcripts: intron variant (1).
Genome position (GRCh38, 1-based): chr8:142,875,126-142,875,127, AG deleted on the plus strand (CT on the coding strand, the reverse complement: CYP11B1 is on the minus strand); deleting any 2 consecutive bases within chr8:142,875,126-142,875,131 gives the same sequence; the c. name uses the placement nearest the transcript's 3' end. VCF-style (leftmost placement, unchanged base first): chr8-142875125-CAG-C. GRCh37 (hg19) VCF-style: chr8-143956541-CAG-C.
Other names: c.1200+103CT[2] (NM_001026213.1); short protein forms L410fs.
Identifiers: ClinVar variation 2182566 (VCV002182566.4), dbSNP rs779077340, ClinGen allele CA4905053.

ClinVar aggregate classification (germline): Pathogenic (1 of 4 stars; one submission).

Submission:

Labcorp Genetics (formerly Invitae), Labcorp
Classification: Pathogenic. Last evaluated: 2022-07-30. Review status: criteria provided, single submitter. Criteria: Invitae Variant Classification Sherloc (09022015). Collection method: clinical testing. Allele origin: germline.
Comment: For these reasons, this variant has been classified as Pathogenic. This variant has not been reported in the literature in individuals affected with CYP11B1-related conditions. This variant is present in population databases (rs779077340, gnomAD 0.0009%). This sequence change creates a premature translational stop signal (p.Leu410Glyfs*11) in the CYP11B1 gene. It is expected to result in an absent or disrupted protein product. Loss-of-function variants in CYP11B1 are known to be pathogenic (PMID: 8506298, 26476331).

Literature cited by the submitters: PubMed 8506298; PubMed 26476331.